The following is an entry in ClinVar:

ClinVar aggregate classification (germline): Likely benign (1 of 4 stars; one submission).

Conditions:
Pheochromocytoma/paraganglioma syndrome 5. Also called: Paragangliomas 5; SDHA-Related Hereditary Paraganglioma-Pheochromocytoma Syndrome. Identifiers: Orphanet 29072, MedGen C3279992, MONDO:0013602, OMIM 614165.

Submission:

Myriad Genetics, Inc.
Classification: Likely benign for Pheochromocytoma/paraganglioma syndrome 5. Last evaluated: 2025-03-07. Review status: criteria provided, single submitter. Criteria: Myriad Autosomal Dominant, Autosomal Recessive and X-Linked Classification Criteria (2023). Collection method: clinical testing. Allele origin: unknown.
Comment: This variant is considered likely benign. This variant is intronic and is not expected to impact mRNA splicing.

NM_004168.4(SDHA):c.1065-10G>A

Gene: SDHA (succinate dehydrogenase complex flavoprotein subunit A; plus strand). Cytogenetic location: 5p15.33.
Variant type: single nucleotide variant.
Coding change: c.1065-10G>A on transcript NM_004168.4 (MANE Select); 10 bases into the intron before coding-DNA position 1065, G replaced by A.
Molecular consequence: intron variant.
Genome position (GRCh38, 1-based): chr5:235,134, G>A. VCF-style: chr5-235134-G-A. GRCh37 (hg19) VCF-style: chr5-235249-G-A.
Other names: c.1065-10G>A (NM_001330758.2); c.921-10G>A (NM_001294332.2).
Identifiers: ClinVar variation 3904460 (VCV003904460.1).